The following is an entry in ClinVar:

NM_000834.5(GRIN2B):c.1308C>T (p.Cys436=)

Gene: GRIN2B (glutamate ionotropic receptor NMDA type subunit 2B; minus strand). Cytogenetic location: 12p13.1.
Variant type: single nucleotide variant.
Coding change: c.1308C>T on transcript NM_000834.5 (MANE Select); coding-DNA position 1308, C replaced by T.
Protein change: p.Cys436=; no amino-acid change (cysteine 436 retained).
Molecular consequence: synonymous variant.
Genome position (GRCh38, 1-based): chr12:13,616,475, G>A on the plus strand (C>T on the coding strand, the complement: GRIN2B is on the minus strand). VCF-style: chr12-13616475-G-A. GRCh37 (hg19) VCF-style: chr12-13769409-G-A.
Other names: c.1308C>T (NM_000834.3).
Identifiers: ClinVar variation 1095617 (VCV001095617.10), dbSNP rs992479287, ClinGen allele CA233011414.

ClinVar aggregate classification (germline): Likely benign. Review status: criteria provided, multiple submitters, no conflicts (2 of 4 stars). 2 submissions from 2 submitters: Likely benign (2). Last evaluated 2024-10-30.

Conditions:
GRIN2B-related disorder. Also called: GRIN2B-related condition.
Intellectual developmental disorder, autosomal dominant 6, with or without seizures. Also called: Intellectual disability, autosomal dominant 6; GRIN2B-related developmental delay, intellectual disability and autism spectrum disorder. Identifiers: Orphanet 589547, MedGen C3151411, MONDO:0013509, OMIM 613970.
Developmental and epileptic encephalopathy, 27 (DEE27). Also called: GRIN2B-Related Neurodevelopmental Disorder; Epileptic encephalopathy, early infantile, 27. Identifiers: Orphanet 3451, MedGen C4015316, MONDO:0014505, OMIM 616139.

Allele frequency attached by ClinVar (database versions not stated): TOPMed below 0.00001.

Submissions (2):

PreventionGenetics, part of Exact Sciences
Classification: Likely benign for GRIN2B-related condition. Last evaluated: 2024-10-30. Review status: criteria provided, single submitter. Criteria: ACMG Guidelines, 2015. Collection method: clinical testing. Allele origin: germline.
Comment: This variant is classified as likely benign based on ACMG/AMP sequence variant interpretation guidelines (Richards et al. 2015 PMID: 25741868, with internal and published modifications).

Labcorp Genetics (formerly Invitae), Labcorp
Classification: Likely benign for Developmental and epileptic encephalopathy, 27; Intellectual developmental disorder, autosomal dominant 6, with or without seizures. Last evaluated: 2022-12-03. Review status: criteria provided, single submitter. Criteria: Invitae Variant Classification Sherloc (09022015). Collection method: clinical testing. Allele origin: germline.